The following is an entry in ClinVar:

ClinVar aggregate classification (germline): Uncertain significance. Review status: criteria provided, multiple submitters, no conflicts (2 of 4 stars). 6 submissions from 6 submitters: Uncertain significance (6). Last evaluated 2025-08-18.

Conditions:
WHRN-related disorder. Also called: WHRN-related condition.

Allele frequency attached by ClinVar (database versions not stated): ExAC 0.00002; gnomAD exomes 0.00002; gnomAD 0.00003; TOPMed 0.00004; ESP Exome Variant Server 0.00008.
gnomAD v4.1: 13 of 1,613,930 alleles (0.00081%); highest among the groups gnomAD compares: African/African-American, 0.011%; no homozygotes.

Submissions (6):

PreventionGenetics, part of Exact Sciences
Classification: Uncertain significance for WHRN-related condition. Last evaluated: 2025-08-18. Review status: criteria provided, single submitter. Criteria: ACMG Guidelines, 2015. Collection method: clinical testing. Allele origin: germline.
Comment: The WHRN c.827A>T variant is predicted to result in the amino acid substitution p.Asp276Val. To our knowledge, this variant has not been reported in the literature. This variant is reported in 0.016% of alleles in individuals of African descent in gnomAD. At this time, the clinical significance of this variant is uncertain due to the absence of conclusive functional and genetic evidence.

Blueprint Genetics
Classification: Uncertain significance. Last evaluated: 2024-11-13. Review status: criteria provided, single submitter. Criteria: ACMG Guidelines, 2015. Collection method: clinical testing. Allele origin: germline.

GeneDx
Classification: Uncertain significance. Last evaluated: 2024-05-03. Review status: criteria provided, single submitter. Criteria: GeneDx Variant Classification Process June 2021. Collection method: clinical testing. Allele origin: germline. Affected: yes.
Comment: In silico analysis supports that this missense variant has a deleterious effect on protein structure/function; Has not been previously published as pathogenic or benign to our knowledge

Labcorp Genetics (formerly Invitae), Labcorp
Classification: Uncertain significance. Last evaluated: 2022-10-13. Review status: criteria provided, single submitter. Criteria: Invitae Variant Classification Sherloc (09022015). Collection method: clinical testing. Allele origin: germline.
Comment: This sequence change replaces aspartic acid, which is acidic and polar, with valine, which is neutral and non-polar, at codon 276 of the WHRN protein (p.Asp276Val). This variant is present in population databases (rs143202640, gnomAD 0.02%). This variant has not been reported in the literature in individuals affected with WHRN-related conditions. ClinVar contains an entry for this variant (Variation ID: 288893). Algorithms developed to predict the effect of missense changes on protein structure and function are either unavailable or do not agree on the potential impact of this missense change (SIFT: "Deleterious"; PolyPhen-2: "Possibly Damaging"; Align-GVGD: "Class C15"). In summary, the available evidence is currently insufficient to determine the role of this variant in disease. Therefore, it has been classified as a Variant of Uncertain Significance.

Athena Diagnostics
Classification: Uncertain significance. Last evaluated: 2018-07-30. Review status: criteria provided, single submitter. Criteria: Athena Diagnostics Criteria. Collection method: clinical testing. Allele origin: germline.

Eurofins Ntd Llc (ga)
Classification: Uncertain significance. Last evaluated: 2016-07-05. Review status: criteria provided, single submitter. Criteria: EGL Classification Definitions 2015. Collection method: clinical testing. Allele origin: germline. Observed: 1 variant allele, 1 heterozygote.

NM_015404.4(WHRN):c.827A>T (p.Asp276Val)

Gene: WHRN (whirlin; minus strand). Cytogenetic location: 9q32.
Variant type: single nucleotide variant.
Coding change: c.827A>T on transcript NM_015404.4 (MANE Select); coding-DNA position 827, A replaced by T.
Protein change: p.Asp276Val; replaces aspartic acid 276 with valine.
Molecular consequence: missense variant. On other transcripts: 5 prime UTR variant (1).
Genome position (GRCh38, 1-based): chr9:114,478,563, T>A on the plus strand (A>T on the coding strand, the complement: WHRN is on the minus strand). VCF-style: chr9-114478563-T-A. GRCh37 (hg19) VCF-style: chr9-117240843-T-A.
Other names: c.-323A>T (NM_001083885.3); c.827A>T, p.Asp276Val (NM_001173425.2); c.827A>T (NM_015404.2); short protein forms D276V.
Identifiers: ClinVar variation 288893 (VCV000288893.13), dbSNP rs143202640, ClinGen allele CA5206193.
Genomic context (GRCh38, chr9:114,478,563, plus strand): 5'-GGGAGAATACGGTGTCTGAGAGGCTGGCCTCCTTTCCCCACCCCACTCACCTTTTTCTCA[T>A]CCCCTCCTTGCAGGAGGTGCAGGGTGCTCCTCCGGTCACCCTCCTGCTGCCTCAGGGCAC-3'
Protein context (NP_056219.3, residues 266-286): RSTLHLLQGG[Asp276Val]EKKVNLVLGD